The following is an entry in ClinVar:

ClinVar aggregate classification (germline): Uncertain significance (1 of 4 stars; one submission).

Submission:

GeneDx
Classification: Uncertain significance. Last evaluated: 2024-06-24. Review status: criteria provided, single submitter. Criteria: GeneDx Variant Classification Process June 2021. Collection method: clinical testing. Allele origin: germline. Affected: yes.
Comment: Not observed at significant frequency in large population cohorts (gnomAD); In silico analysis supports that this missense variant has a deleterious effect on protein structure/function; Has not been previously published as pathogenic or benign to our knowledge

NM_020987.5(ANK3):c.12312T>A (p.Ser4104Arg)

Gene: ANK3 (ankyrin 3; minus strand). Cytogenetic location: 10q21.2.
Variant type: single nucleotide variant.
Coding change: c.12312T>A on transcript NM_020987.5 (MANE Select); coding-DNA position 12312, T replaced by A.
Protein change: p.Ser4104Arg; replaces serine 4104 with arginine.
Molecular consequence: missense variant.
Genome position (GRCh38, 1-based): chr10:60,067,942, A>T on the plus strand (T>A on the coding strand, the complement: ANK3 is on the minus strand). VCF-style: chr10-60067942-A-T. GRCh37 (hg19) VCF-style: chr10-61827700-A-T.
Other names: c.1875T>A, p.Ser625Arg (NM_001149.4); c.4455T>A, p.Ser1485Arg (NM_001204403.2); c.4476T>A, p.Ser1492Arg (NM_001204404.2); c.4473T>A, p.Ser1491Arg (NM_001320874.2); short protein forms S1485R, S1491R, S1492R, S4104R, S625R.
Identifiers: ClinVar variation 3392864 (VCV003392864.1).